The following is an entry in ClinVar:

ClinVar aggregate classification (germline): Uncertain significance (1 of 4 stars; one submission).

Submission:

GeneDx
Classification: Uncertain significance. Last evaluated: 2024-01-26. Review status: criteria provided, single submitter. Criteria: GeneDx Variant Classification Process June 2021. Collection method: clinical testing. Allele origin: germline. Affected: yes.
Comment: Has not been previously published as pathogenic or benign to our knowledge; Not observed at significant frequency in large population cohorts (gnomAD); In silico analysis supports that this missense variant does not alter protein structure/function; In silico analysis is inconclusive as to whether the variant alters gene splicing. In the absence of RNA/functional studies, the actual effect of this sequence change is unknown.

NM_001367479.1(DNAH14):c.3088C>G (p.Gln1030Glu)

Gene: DNAH14 (dynein axonemal heavy chain 14; plus strand). Cytogenetic location: 1q42.12.
Variant type: single nucleotide variant.
Coding change: c.3088C>G on transcript NM_001367479.1 (MANE Select); coding-DNA position 3088, C replaced by G.
Protein change: p.Gln1030Glu; replaces glutamine 1030 with glutamic acid.
Molecular consequence: missense variant.
Genome position (GRCh38, 1-based): chr1:225,080,700, C>G. VCF-style: chr1-225080700-C-G. GRCh37 (hg19) VCF-style: chr1-225268402-C-G.
Other names: NM_001373.1:c.3088C>G; short protein forms Q1030E.
Identifiers: ClinVar variation 3368264 (VCV003368264.1).
Genomic context (GRCh38, chr1:225,080,700, plus strand): 5'-AAGCGAGCCTCTTGGGAATGGAGGAATAGTTCTCTTCAAAGTATTGATGTAGAATCAGTA[C>G]AGAGAAATGTTTCAAAACTGATGCACATAATCTCGGTACTAGAAAAAGGTAAAAATGTGT-3'
Protein context (NP_001354408.1, residues 1020-1040): SLQSIDVESV[Gln1030Glu]RNVSKLMHII